The following is an entry in ClinVar:

ClinVar aggregate classification (germline): Benign/Likely benign. Review status: criteria provided, multiple submitters, no conflicts (2 of 4 stars). 8 submissions from 8 submitters: Benign (3); Likely benign (5). Last evaluated 2026-06-08.

Conditions:
Pheochromocytoma. Also called: MAX-Related Hereditary Paraganglioma-Pheochromocytoma Syndrome. Identifiers: Orphanet 29072, MedGen C0031511, MONDO:0008233, OMIM 171300, HP:0002666.
MAX-related disorder. Also called: MAX-related condition.

Allele frequency attached by ClinVar (database versions not stated): 1000 Genomes Project 0.00020; 1000 Genomes Project 30x 0.00031; ESP Exome Variant Server 0.00038; TOPMed 0.00040; gnomAD 0.00051.
gnomAD v4.1: 1,118 of 1,613,044 alleles (0.069%); highest among the groups gnomAD compares: Non-Finnish European, 0.091%; no homozygotes.

Submissions (8):

Myriad Genetics, Inc.
Classification: Benign for Pheochromocytoma. Last evaluated: 2026-06-08. Review status: criteria provided, single submitter. Criteria: Myriad Autosomal Dominant, Autosomal Recessive and X-Linked Classification Criteria (2023). Collection method: clinical testing. Allele origin: unknown.
Comment: This variant is considered benign. This variant occurs in the non-coding 3' untranslated region of the gene, and is not expected to impact protein function.

PreventionGenetics, part of Exact Sciences
Classification: Likely benign for MAX-related condition. Last evaluated: 2026-04-23. Review status: criteria provided, single submitter. Criteria: ACMG Guidelines, 2015. Collection method: clinical testing. Allele origin: germline.
Comment: This variant is classified as likely benign based on ACMG/AMP sequence variant interpretation guidelines (Richards et al. 2015 PMID: 25741868, with internal and published modifications).

Mayo Clinic Laboratories, Mayo Clinic
Classification: Likely benign. Last evaluated: 2025-07-23. Review status: criteria provided, single submitter. Criteria: ACMG Guidelines, 2015. Collection method: clinical testing. Allele origin: germline. Observed: 2 variant alleles.
Comment: BS1, BP7

Laboratory of Genetics, Children's Clinical University Hospital Latvia
Classification: Likely benign. Last evaluated: 2025-02-16. Review status: criteria provided, single submitter. Criteria: ACMG Guidelines, 2015. Collection method: clinical testing. Allele origin: germline. Affected: yes.

Women's Health and Genetics/Laboratory Corporation of America, LabCorp
Classification: Benign. Last evaluated: 2023-06-03. Review status: criteria provided, single submitter. Criteria: LabCorp Variant Classification Summary - May 2015. Collection method: clinical testing. Allele origin: germline.

GeneDx
Classification: Likely benign. Last evaluated: 2021-05-18. Review status: criteria provided, single submitter. Criteria: GeneDx Variant Classification Process June 2021. Collection method: clinical testing. Allele origin: germline. Affected: yes.
Comment: Has not been previously published as pathogenic or benign to our knowledge

Illumina Laboratory Services, Illumina
Classification: Benign for Pheochromocytoma. Last evaluated: 2018-01-13. Review status: criteria provided, single submitter. Criteria: ICSL Variant Classification Criteria 13 December 2019. Collection method: clinical testing. Allele origin: germline.
Comment: This variant was observed in the ICSL laboratory as part of a predisposition screen in an ostensibly healthy population. It had not been previously curated by ICSL or reported in the Human Gene Mutation Database (HGMD: prior to June 1st, 2018), and was therefore a candidate for classification through an automated scoring system. Utilizing variant allele frequency, disease prevalence and penetrance estimates, and inheritance mode, an automated score was calculated to assess if this variant is too frequent to cause the disease. Based on the score and internal cut-off values, a variant classified as benign is not then subjected to further curation. The score for this variant resulted in a classification of benign for this disease.

Breakthrough Genomics
Classification: Likely benign. Review status: criteria provided, single submitter. Criteria: ACMG Guidelines, 2015. Collection method: not provided. Allele origin: germline. Inheritance: Autosomal dominant inheritance. Affected: yes.

NM_002382.5(MAX):c.*7C>T

Gene: MAX (MYC associated transcriptional regulator X; minus strand). Cytogenetic location: 14q23.3.
Variant type: single nucleotide variant.
Coding change: c.*7C>T on transcript NM_002382.5 (MANE Select); 7 bases downstream of the stop codon, C replaced by T.
Molecular consequence: 3 prime UTR variant. On other transcripts: intron variant (2).
Genome position (GRCh38, 1-based): chr14:65,076,469, G>A on the plus strand (C>T on the coding strand, the complement: MAX is on the minus strand). VCF-style: chr14-65076469-G-A. GRCh37 (hg19) VCF-style: chr14-65543187-G-A.
Other names: c.*7C>T (NM_001320415.2, NM_001407094.1, NM_001407095.1 and 7 more transcripts); c.*263C>T (NM_001407096.1, NM_001407099.1, NM_001407102.1 and 2 more transcripts); c.*279C>T (NM_001407097.1, NM_001407100.1, NM_001407101.1 and 4 more transcripts); c.144+17239C>T (NM_001271069.2); c.171+17239C>T (NM_197957.4, NM_197957.3).
Identifiers: ClinVar variation 313817 (VCV000313817.14), dbSNP rs199514174, ClinGen allele CA7232781.
Genomic context (GRCh38, chr14:65,076,469, plus strand): 5'-AACGAACTGAAAGGAGGATGAGACGATGGAGACAGACAGTTTTTATTGCTGGCCTGCCCC[G>A]AGTGGCTTAGCTGGCCTCCATCCGGAGCTTCTTCCTGCTTTGGGGCTCTTCAGGCTCAGA-3'